The following is an entry in ClinVar:

ClinVar aggregate classification (germline): Uncertain significance (1 of 4 stars; one submission).

Conditions:
Hereditary pheochromocytoma and paraganglioma. Also called: Hereditary pheochromocytoma-paraganglioma; Hereditary Paraganglioma-Pheochromocytoma Syndromes; Hereditary paragangliomas and pheochromocytomas. Identifiers: Orphanet 29072, MedGen C4274332, MONDO:0017366.

Submission:

Labcorp Genetics (formerly Invitae), Labcorp
Classification: Uncertain significance for Hereditary pheochromocytoma and paraganglioma. Last evaluated: 2025-04-03. Review status: criteria provided, single submitter. Criteria: Invitae Variant Classification Sherloc (09022015). Collection method: clinical testing. Allele origin: germline.
Comment: This sequence change replaces leucine, which is neutral and non-polar, with isoleucine, which is neutral and non-polar, at codon 88 of the SDHAF2 protein (p.Leu88Ile). This variant is not present in population databases (gnomAD no frequency). This variant has not been reported in the literature in individuals affected with SDHAF2-related conditions. An algorithm developed to predict the effect of missense changes on protein structure and function (PolyPhen-2) suggests that this variant is likely to be tolerated. In summary, the available evidence is currently insufficient to determine the role of this variant in disease. Therefore, it has been classified as a Variant of Uncertain Significance.

NM_017841.4(SDHAF2):c.262C>A (p.Leu88Ile)

Gene: SDHAF2 (succinate dehydrogenase complex assembly factor 2; plus strand). Cytogenetic location: 11q12.2.
Variant type: single nucleotide variant.
Coding change: c.262C>A on transcript NM_017841.4 (MANE Select); coding-DNA position 262, C replaced by A.
Protein change: p.Leu88Ile; replaces leucine 88 with isoleucine.
Molecular consequence: missense variant.
Genome position (GRCh38, 1-based): chr11:61,438,005, C>A. VCF-style: chr11-61438005-C-A. GRCh37 (hg19) VCF-style: chr11-61205477-C-A.
Other names: short protein forms L88I.
Identifiers: ClinVar variation 4716668 (VCV004716668.1).